The following is an entry in ClinVar:

ClinVar aggregate classification (germline): Uncertain significance. Review status: criteria provided, multiple submitters, no conflicts (2 of 4 stars). 3 submissions from 3 submitters: Uncertain significance (3). Last evaluated 2025-08-10.

Conditions:
Gorlin syndrome. Also called: Nevoid Basal Cell Carcinoma Syndrome; Basal cell nevus syndrome. Identifiers: Orphanet 377, MedGen C0004779, MONDO:0007187.
PTCH2-related disorder. Also called: PTCH2-related condition; PTCH2-related disease.

Allele frequency attached by ClinVar (database versions not stated): ExAC 0.00001; TOPMed 0.00008; gnomAD 0.00011; 1000 Genomes Project 30x 0.00016; 1000 Genomes Project 0.00020.
gnomAD v4.1: 29 of 1,614,220 alleles (0.0018%); highest among the groups gnomAD compares: African/African-American, 0.037%; no homozygotes.

Submissions (3):

Ambry Genetics
Classification: Uncertain significance. Last evaluated: 2025-08-10. Review status: criteria provided, single submitter. Criteria: Ambry Variant Classification Scheme 2023. Collection method: clinical testing. Allele origin: germline.

Labcorp Genetics (formerly Invitae), Labcorp
Classification: Uncertain significance for Gorlin syndrome. Last evaluated: 2025-07-17. Review status: criteria provided, single submitter. Criteria: Invitae Variant Classification Sherloc (09022015). Collection method: clinical testing. Allele origin: germline.
Comment: This sequence change replaces proline, which is neutral and non-polar, with leucine, which is neutral and non-polar, at codon 1061 of the PTCH2 protein (p.Pro1061Leu). This variant is present in population databases (rs528473003, gnomAD 0.03%). This variant has not been reported in the literature in individuals affected with PTCH2-related conditions. ClinVar contains an entry for this variant (Variation ID: 2636060). Invitae Evidence Modeling of protein sequence and biophysical properties (such as structural, functional, and spatial information, amino acid conservation, physicochemical variation, residue mobility, and thermodynamic stability) indicates that this missense variant is expected to disrupt PTCH2 protein function with a positive predictive value of 80%. In summary, the available evidence is currently insufficient to determine the role of this variant in disease. Therefore, it has been classified as a Variant of Uncertain Significance.

PreventionGenetics, part of Exact Sciences
Classification: Uncertain significance for PTCH2-related condition. Last evaluated: 2023-01-31. Review status: criteria provided, single submitter. Criteria: ACMG Guidelines, 2015. Collection method: clinical testing. Allele origin: germline.
Comment: The PTCH2 c.3182C>T variant is predicted to result in the amino acid substitution p.Pro1061Leu. To our knowledge, this variant has not been reported in the literature. This variant is reported in 0.036% of alleles in individuals of African descent in gnomAD. At this time, the clinical significance of this variant is uncertain due to the absence of conclusive functional and genetic evidence.

NM_003738.5(PTCH2):c.3182C>T (p.Pro1061Leu)

Gene: PTCH2 (patched 2; minus strand). Cytogenetic location: 1p34.1.
Variant type: single nucleotide variant.
Coding change: c.3182C>T on transcript NM_003738.5 (MANE Select); coding-DNA position 3182, C replaced by T.
Protein change: p.Pro1061Leu; replaces proline 1061 with leucine.
Molecular consequence: missense variant.
Genome position (GRCh38, 1-based): chr1:44,823,318, G>A on the plus strand (C>T on the coding strand, the complement: PTCH2 is on the minus strand). VCF-style: chr1-44823318-G-A. GRCh37 (hg19) VCF-style: chr1-45288990-G-A.
Other names: c.3182C>T, p.Pro1061Leu (NM_001166292.2); short protein forms P1061L.
Identifiers: ClinVar variation 2636060 (VCV002636060.5), dbSNP rs528473003, ClinGen allele CA822776.